The following is an entry in ClinVar:

ClinVar aggregate classification (germline): Uncertain significance (1 of 4 stars; one submission).

Submission:

Labcorp Genetics (formerly Invitae), Labcorp
Classification: Uncertain significance. Last evaluated: 2024-05-14. Review status: criteria provided, single submitter. Criteria: Invitae Variant Classification Sherloc (09022015). Collection method: clinical testing. Allele origin: germline.
Comment: This sequence change replaces glycine, which is neutral and non-polar, with serine, which is neutral and polar, at codon 618 of the DCHS1 protein (p.Gly618Ser). This variant is not present in population databases (gnomAD no frequency). This variant has not been reported in the literature in individuals affected with DCHS1-related conditions. Advanced modeling of protein sequence and biophysical properties (such as structural, functional, and spatial information, amino acid conservation, physicochemical variation, residue mobility, and thermodynamic stability) performed at Invitae indicates that this missense variant is not expected to disrupt DCHS1 protein function with a negative predictive value of 95%. In summary, the available evidence is currently insufficient to determine the role of this variant in disease. Therefore, it has been classified as a Variant of Uncertain Significance.

NM_003737.4(DCHS1):c.1852G>A (p.Gly618Ser)

Gene: DCHS1 (dachsous cadherin-related 1; minus strand). Cytogenetic location: 11p15.4.
Variant type: single nucleotide variant.
Coding change: c.1852G>A on transcript NM_003737.4 (MANE Select); coding-DNA position 1852, G replaced by A.
Protein change: p.Gly618Ser; replaces glycine 618 with serine.
Molecular consequence: missense variant.
Genome position (GRCh38, 1-based): chr11:6,634,252, C>T on the plus strand (G>A on the coding strand, the complement: DCHS1 is on the minus strand). VCF-style: chr11-6634252-C-T. GRCh37 (hg19) VCF-style: chr11-6655483-C-T.
Other names: short protein forms G618S.
Identifiers: ClinVar variation 3609427 (VCV003609427.2).